The following is an entry in ClinVar:

ClinVar aggregate classification (germline): Pathogenic. Review status: criteria provided, single submitter (1 of 4 stars). 2 submissions from 2 submitters: Pathogenic (1). 1 of the submissions does not count toward it. Last evaluated 2024-05-20.

Conditions:
Polycystic kidney disease. Also called: Polycystic kidney dysplasia; Kidney, Polycystic. Identifiers: MedGen C0022680, MeSH D007690, MONDO:0020642, HP:0000113.
Polycystic kidney disease, adult type (PKD1). Also called: POLYCYSTIC KIDNEY DISEASE, ADULT, TYPE I; Polycystic Kidney Disease 1, Autosomal Dominant; Polycystic kidney disease 1; Polycystic kidney disease 1, severe; Polycystic Kidney, Autosomal Dominant; POLYCYSTIC KIDNEY DISEASE 1 WITH OR WITHOUT POLYCYSTIC LIVER DISEASE. Identifiers: MedGen C3149841, MONDO:0008263, OMIM 173900.

Allele frequency attached by ClinVar (database versions not stated): gnomAD exomes below 0.00001.
gnomAD v4.1: 1 of 1,610,540 alleles (0.000062%); highest among the groups gnomAD compares: Non-Finnish European, 0.000085%; no homozygotes.

Submissions (2):

Fulgent Genetics
Classification: Pathogenic for Polycystic kidney disease, adult type. Last evaluated: 2024-05-20. Review status: criteria provided, single submitter. Criteria: ACMG Guidelines, 2015. Collection method: clinical testing. Allele origin: germline.

Department of Pathology and Laboratory Medicine, Sinai Health System
Classification: Pathogenic for Polycystic Kidney disease. Review status: no assertion criteria provided. Collection method: clinical testing. Allele origin: unknown. Affected: yes. Study: The Canadian Open Genetics Repository (COGR). Not counted in ClinVar's aggregate classification.
Comment: The PKD1 p.Trp1399* variant was not identified in the literature nor was it identified in the dbSNP, ClinVar, LOVD 3.0, ADPKD Mutation, PKD1-LOVD, the Exome Aggregation Consortium (August 8th 2016), or the Genome Aggregation Database (Feb 27, 2017). The c.4197G>A variant leads to a premature stop codon at amino acid position 1399 which is predicted to lead to a loss of function due to a truncated or absent protein. Loss of function variants of the PKD1 gene are an established mechanism of disease in Autosome Dominant Polycystic Kidney Disease and are the type of variant expected to cause the disorder. In summary, based on the above information this variant meets our laboratoryâ€šÃ„Ã´s criteria to be classified as pathogenic.

NM_001009944.3(PKD1):c.4197G>A (p.Trp1399Ter)

Gene: PKD1 (polycystin 1, transient receptor potential channel interacting; minus strand). Cytogenetic location: 16p13.3.
Variant type: single nucleotide variant.
Coding change: c.4197G>A on transcript NM_001009944.3 (MANE Select); coding-DNA position 4197, G replaced by A.
Protein change: p.Trp1399Ter; replaces tryptophan 1399 with a stop codon.
Molecular consequence: nonsense.
Genome position (GRCh38, 1-based): chr16:2,110,970, C>T on the plus strand (G>A on the coding strand, the complement: PKD1 is on the minus strand). VCF-style: chr16-2110970-C-T. GRCh37 (hg19) VCF-style: chr16-2160971-C-T.
Other names: c.4197G>A, p.Trp1399Ter (NM_000296.4); short protein forms W1399*.
Identifiers: ClinVar variation 997135 (VCV000997135.2), dbSNP rs890465248, ClinGen allele CA394381219.